The following is an entry in ClinVar:

ClinVar aggregate classification (germline): Likely pathogenic (1 of 4 stars; one submission).

Conditions:
Charcot-Marie-Tooth disease type 4. Also called: Charcot-Marie-Tooth disease, type IV; Charcot-Marie-Tooth, Type 4. Identifiers: Orphanet 64749, MedGen C4082197, MONDO:0018995.

Submission:

Labcorp Genetics (formerly Invitae), Labcorp
Classification: Likely pathogenic for Charcot-Marie-Tooth disease type 4. Last evaluated: 2024-09-06. Review status: criteria provided, single submitter. Criteria: Invitae Variant Classification Sherloc (09022015). Collection method: clinical testing. Allele origin: germline.
Comment: This sequence change affects a splice site in intron 25 of the SBF2 gene. It is expected to disrupt RNA splicing. Variants that disrupt the donor or acceptor splice site typically lead to a loss of protein function (PMID: 16199547), and loss-of-function variants in SBF2 are known to be pathogenic (PMID: 12687498, 25873783). This variant is not present in population databases (gnomAD no frequency). This variant has not been reported in the literature in individuals affected with SBF2-related conditions. Algorithms developed to predict the effect of sequence changes on RNA splicing suggest that this variant may disrupt the consensus splice site. In summary, the currently available evidence indicates that the variant is pathogenic, but additional data are needed to prove that conclusively. Therefore, this variant has been classified as Likely Pathogenic.

Literature cited by the submitters: PubMed 16199547; PubMed 12687498; PubMed 25873783.

NM_030962.4(SBF2):c.3257-5_3257-1del

Genes: SBF2 (SET binding factor 2; minus strand), LOC101928008 (uncharacterized LOC101928008; plus strand). Cytogenetic location: 11p15.4.
Variant type: Deletion.
Coding change: c.3257-5_3257-1del on transcript NM_030962.4 (MANE Select); 5 bases into the intron before coding-DNA position 3257 through the canonical splice acceptor site of the intron before coding-DNA position 3257, 5 bases deleted (CACAG; older notation c.3257-5_3257-1delCACAG).
Molecular consequence: splice acceptor variant.
Genome position (GRCh38, 1-based): chr11:9,839,697-9,839,701, CTGTG deleted on the plus strand (CACAG on the coding strand, the reverse complement: SBF2 is on the minus strand). VCF-style (leftmost placement, unchanged base first): chr11-9839696-ACTGTG-A. GRCh37 (hg19) VCF-style: chr11-9861243-ACTGTG-A.
Other names: c.3293-5_3293-1del (NM_001425069.1, NM_001425070.1, NM_001424318.1); c.3128-5_3128-1del (NM_001386342.1); c.3257-5_3257-1del (NM_001386339.1).
Identifiers: ClinVar variation 3604745 (VCV003604745.2).
Genomic context (GRCh38, chr11:9,839,696, plus strand): 5'-ATTGTAGACTTCTCGGAGGCCTTCAGGGTGGTACTTGTGGGGAGCTCACTCTCATCTGAA[ACTGTG>A]ATGGTAGAGACAGATATCGAAGAAATGATTAGCTCAAAGCAATTGAGGTCTTCAGGGTAG-3'